The following is an entry in ClinVar:

NM_005502.4(ABCA1):c.688C>T (p.Arg230Cys)

Gene: ABCA1 (ATP binding cassette subfamily A member 1; minus strand). Cytogenetic location: 9q31.1.
Variant type: single nucleotide variant.
Coding change: c.688C>T on transcript NM_005502.4 (MANE Select); coding-DNA position 688, C replaced by T.
Protein change: p.Arg230Cys; replaces arginine 230 with cysteine.
Molecular consequence: missense variant.
Genome position (GRCh38, 1-based): chr9:104,858,554, G>A on the plus strand (C>T on the coding strand, the complement: ABCA1 is on the minus strand). VCF-style: chr9-104858554-G-A. GRCh37 (hg19) VCF-style: chr9-107620835-G-A.
Other names: short protein forms R230C.
Identifiers: ClinVar variation 364456 (VCV000364456.23), dbSNP rs9282541, ClinGen allele CA5169322.

ClinVar aggregate classification (germline): Benign. Review status: criteria provided, multiple submitters, no conflicts (2 of 4 stars). 9 submissions from 8 submitters: Benign (8). 1 of the submissions does not count toward it. Last evaluated 2026-02-01.

Conditions:
ABCA1-related disorder. Also called: ABCA1-related disorders; ABCA1-related condition. Identifiers: MedGen CN239173.
Tangier disease (TGD). Also called: HIGH DENSITY LIPOPROTEIN DEFICIENCY, TANGIER TYPE; HIGH DENSITY LIPOPROTEIN DEFICIENCY, TYPE 1; Cholesterol thesaurismosis. Identifiers: Orphanet 31150, MedGen C0039292, MONDO:0008783, OMIM 205400.
Cardiovascular phenotype. Identifiers: MedGen CN230736.
Hypoalphalipoproteinemia, primary, 1. Identifiers: Orphanet 425, MedGen C5231558, MONDO:0011393, OMIM 604091.

Allele frequency attached by ClinVar (database versions not stated): ESP Exome Variant Server 0.00046; gnomAD 0.00452 and 0.00457; 1000 Genomes Project 0.00599; 1000 Genomes Project 30x 0.00609; ExAC 0.00889; TOPMed 0.00926; gnomAD exomes 0.01271.

Submissions (9):

Labcorp Genetics (formerly Invitae), Labcorp
Classification: Benign. Last evaluated: 2026-02-01. Review status: criteria provided, single submitter. Criteria: Invitae Variant Classification Sherloc (09022015). Collection method: clinical testing. Allele origin: germline.

Blueprint Genetics
Classification: Benign. Last evaluated: 2024-11-15. Review status: criteria provided, single submitter. Criteria: ACMG Guidelines, 2015. Collection method: clinical testing. Allele origin: germline.

Mendelics
Classification: Benign for Tangier disease. Last evaluated: 2023-11-01. Review status: criteria provided, single submitter. Criteria: Mendelics Assertion Criteria 2017. Collection method: clinical testing. Allele origin: unknown.

Mayo Clinic Laboratories, Mayo Clinic
Classification: Benign. Last evaluated: 2021-12-20. Review status: criteria provided, single submitter. Criteria: ACMG Guidelines, 2015. Collection method: clinical testing. Allele origin: germline. Observed: 11 variant alleles.
Comment: BA1

GeneDx
Classification: Benign. Last evaluated: 2019-05-06. Review status: criteria provided, single submitter. Criteria: GeneDx Variant Classification Process June 2021. Collection method: clinical testing. Allele origin: germline. Affected: yes.
Comment: This variant is associated with the following publications: (PMID: 28870971, 21315358, 18003760, 22995991, 20418488, 23273975, 20797885, 23152888, 10938021, 26579206, 27535533, 31006134, 31010439)

Ambry Genetics
Classification: Benign for Cardiovascular phenotype. Last evaluated: 2019-03-22. Review status: criteria provided, single submitter. Criteria: Ambry Variant Classification Scheme 2023. Collection method: clinical testing. Allele origin: germline.

Illumina Laboratory Services, Illumina
Classification: Benign for Hypoalphalipoproteinemia, primary, 1. Last evaluated: 2017-04-28. Review status: criteria provided, single submitter. Criteria: ICSL Variant Classification Criteria 13 December 2019. Collection method: clinical testing. Allele origin: germline.
Comment: This variant was observed as part of a predisposition screen in an ostensibly healthy population. A literature search was performed for the gene, cDNA change, and amino acid change (where applicable). Publications were found based on this search. The evidence from the literature, in combination with allele frequency data from public databases where available, was sufficient to rule this variant out of causing disease. Therefore, this variant is classified as benign.

Illumina Laboratory Services, Illumina
Classification: Benign for Tangier disease. Last evaluated: 2017-04-28. Review status: criteria provided, single submitter. Criteria: ICSL Variant Classification Criteria 13 December 2019. Collection method: clinical testing. Allele origin: germline.
Comment: This variant was observed as part of a predisposition screen in an ostensibly healthy population. A literature search was performed for the gene, cDNA change, and amino acid change (where applicable). No publications were found based on this search. Allele frequency data from public databases was too high to be consistent with this variant causing disease. Therefore, this variant is classified as benign.

PreventionGenetics, part of Exact Sciences
Classification: Benign for ABCA1-related condition. Last evaluated: 2019-03-20. Review status: no assertion criteria provided. Collection method: clinical testing. Allele origin: germline. Not counted in ClinVar's aggregate classification.
Comment: This variant is classified as benign based on ACMG/AMP sequence variant interpretation guidelines (Richards et al. 2015 PMID: 25741868, with internal and published modifications).

Literature cited by the submitters: PubMed 20427018 (cited by Illumina Laboratory Services, Illumina); PubMed 10938021 (cited by Illumina Laboratory Services, Illumina); PubMed 23152888 (cited by Illumina Laboratory Services, Illumina); PubMed 20418488 (cited by Illumina Laboratory Services, Illumina); PubMed 21315358 (cited by Illumina Laboratory Services, Illumina).